The following is an entry in ClinVar:

ClinVar aggregate classification (germline): Uncertain significance (1 of 4 stars; one submission).

Allele frequency attached by ClinVar (database versions not stated): TOPMed below 0.00001.
gnomAD v4.1: 2 of 1,211,743 alleles (0.00017%); highest among the groups gnomAD compares: Non-Finnish European, 0.00022%; no homozygotes.

Submission:

Labcorp Genetics (formerly Invitae), Labcorp
Classification: Uncertain significance. Last evaluated: 2023-01-07. Review status: criteria provided, single submitter. Criteria: Invitae Variant Classification Sherloc (09022015). Collection method: clinical testing. Allele origin: germline.
Comment: This sequence change replaces tryptophan, which is neutral and slightly polar, with leucine, which is neutral and non-polar, at codon 321 of the CFP protein (p.Trp321Leu). This variant is not present in population databases (gnomAD no frequency). This missense change has been observed in individual(s) with complement deficiencies (PMID: 31440263). Advanced modeling of protein sequence and biophysical properties (such as structural, functional, and spatial information, amino acid conservation, physicochemical variation, residue mobility, and thermodynamic stability) performed at Invitae indicates that this missense variant is expected to disrupt CFP protein function. This variant disrupts the p.Trp321 amino acid residue in CFP. Other variant(s) that disrupt this residue have been determined to be pathogenic (PMID: 10909851). This suggests that this residue is clinically significant, and that variants that disrupt this residue are likely to be disease-causing. In summary, the available evidence is currently insufficient to determine the role of this variant in disease. Therefore, it has been classified as a Variant of Uncertain Significance.

Literature cited by the submitters: PubMed 31440263; PubMed 10909851.

NM_001145252.3(CFP):c.962G>T (p.Trp321Leu)

Gene: CFP (complement factor properdin; minus strand). Cytogenetic location: Xp11.23.
Variant type: single nucleotide variant.
Coding change: c.962G>T on transcript NM_001145252.3 (MANE Select); coding-DNA position 962, G replaced by T.
Protein change: p.Trp321Leu; replaces tryptophan 321 with leucine.
Molecular consequence: missense variant.
Genome position (GRCh38, 1-based): chrX:47,626,498, C>A on the plus strand (G>T on the coding strand, the complement: CFP is on the minus strand). VCF-style: chrX-47626498-C-A. GRCh37 (hg19) VCF-style: chrX-47485897-C-A.
Other names: c.962G>T, p.Trp321Leu (NM_002621.2); short protein forms W321L.
Identifiers: ClinVar variation 2972993 (VCV002972993.3), dbSNP rs778252094, ClinGen allele CA412835833.